The following is an entry in ClinVar:

ClinVar aggregate classification (germline): Uncertain significance. Review status: criteria provided, multiple submitters, no conflicts (2 of 4 stars). 3 submissions from 3 submitters: Uncertain significance (3). Last evaluated 2026-08-18.

Conditions:
Inborn genetic diseases. Identifiers: MedGen C0950123, MeSH D030342.
Myoclonic dystonia 11 (DYT11). Also called: Dystonia, alcohol responsive; Hereditary essential myoclonus; SGCE Myoclonus-Dystonia; Myoclonus-Dystonia; Myoclonic dystonia; Dystonia 11. Identifiers: Orphanet 36899, MedGen C1834570, MONDO:0008044, OMIM 159900.

Allele frequency attached by ClinVar (database versions not stated): gnomAD exomes below 0.00001.
gnomAD v4.1: 3 of 1,612,960 alleles (0.00019%); highest among the groups gnomAD compares: South Asian, 0.0011%; no homozygotes.

Submissions (3):

Ambry Genetics
Classification: Uncertain significance for Inborn genetic diseases. Last evaluated: 2026-08-18. Review status: criteria provided, single submitter. Criteria: Ambry Variant Classification Scheme 2023. Collection method: clinical testing. Allele origin: germline.

Labcorp Genetics (formerly Invitae), Labcorp
Classification: Uncertain significance for Myoclonic dystonia 11. Last evaluated: 2023-09-12. Review status: criteria provided, single submitter. Criteria: Invitae Variant Classification Sherloc (09022015). Collection method: clinical testing. Allele origin: germline.
Comment: Advanced modeling of protein sequence and biophysical properties (such as structural, functional, and spatial information, amino acid conservation, physicochemical variation, residue mobility, and thermodynamic stability) performed at Invitae indicates that this missense variant is not expected to disrupt SGCE protein function. In summary, the available evidence is currently insufficient to determine the role of this variant in disease. Therefore, it has been classified as a Variant of Uncertain Significance. ClinVar contains an entry for this variant (Variation ID: 650785). This variant has not been reported in the literature in individuals affected with SGCE-related conditions. This variant is not present in population databases (gnomAD no frequency). This sequence change replaces arginine, which is basic and polar, with glutamine, which is neutral and polar, at codon 237 of the SGCE protein (p.Arg237Gln).

Neuberg Centre For Genomic Medicine, NCGM
Classification: Uncertain significance for Myoclonic dystonia 11. Last evaluated: 2023-06-22. Review status: criteria provided, single submitter. Criteria: ACMG Guidelines, 2015. Collection method: clinical testing. Allele origin: germline. Inheritance: Autosomal dominant inheritance. Affected: yes.
Comment: The observed missense c.710G>A(p.Arg237Gln) variant in SGCE gene has not been reported previously as a pathogenic variant nor as a benign variant, to our knowledge. This variant is reported with the allele frequency of 0% in the gnomAD Exomes. This variant has been reported to the ClinVar database as Uncertain Significance. However, no details are available for independent assessment. The amino acid Arg at position 237 is changed to a Gln changing protein sequence and it might alter its composition and physico-chemical properties. The amino acid change p.Arg237Gln in SGCE is predicted as conserved by GERP++ and PhyloP across 100 vertebrates. Computational evidence (Polyphen - Damaging, SIFT - Tolerated, and MutationTaster - Disease causing) predicts conflicting evidence on protein structure and function for this variant. For these reasons, this variant has been classified as Uncertain Significance.

NM_003919.3(SGCE):c.710G>A (p.Arg237Gln)

Genes: CASD1 (CAS1 domain sialic acid O acetyltransferase 1; plus strand), SGCE (sarcoglycan epsilon; minus strand). Cytogenetic location: 7q21.3.
Variant type: single nucleotide variant.
Coding change: c.710G>A on transcript NM_003919.3 (MANE Select); coding-DNA position 710, G replaced by A.
Protein change: p.Arg237Gln; replaces arginine 237 with glutamine.
Molecular consequence: missense variant.
Genome position (GRCh38, 1-based): chr7:94,603,405, C>T on the plus strand (G>A on the coding strand, the complement: SGCE is on the minus strand). VCF-style: chr7-94603405-C-T. GRCh37 (hg19) VCF-style: chr7-94232717-C-T.
Other names: c.710G>A, p.Arg237Gln (NM_001099400.2, NM_001099401.2, NM_001346717.2); c.587G>A, p.Arg196Gln (NM_001301139.2, NM_001362809.2); c.818G>A, p.Arg273Gln (NM_001346713.2, NM_001346715.2); c.623G>A, p.Arg208Gln (NM_001346719.2, NM_001362807.2); c.437G>A, p.Arg146Gln (NM_001346720.2, NM_001362808.2); short protein forms R208Q, R237Q, R273Q, R146Q, R196Q.
Identifiers: ClinVar variation 650785 (VCV000650785.9), dbSNP rs1217843572, ClinGen allele CA368232365.